The following is an entry in ClinVar:

ClinVar aggregate classification (germline): Uncertain significance (1 of 4 stars; one submission).

Conditions:
Congenital disorder of deglycosylation (CDDG). Identifiers: MedGen C3808991, MONDO:0031376.

Allele frequency attached by ClinVar (database versions not stated): gnomAD exomes below 0.00001.
gnomAD v4.1: 1 of 1,613,650 alleles (0.000062%); highest among the groups gnomAD compares: Non-Finnish European, 0.000085%; no homozygotes.

Submission:

Labcorp Genetics (formerly Invitae), Labcorp
Classification: Uncertain significance for Congenital disorder of deglycosylation. Last evaluated: 2022-07-26. Review status: criteria provided, single submitter. Criteria: Invitae Variant Classification Sherloc (09022015). Collection method: clinical testing. Allele origin: germline.
Comment: In summary, the available evidence is currently insufficient to determine the role of this variant in disease. Therefore, it has been classified as a Variant of Uncertain Significance. Algorithms developed to predict the effect of sequence changes on RNA splicing suggest that this variant may disrupt the consensus splice site. Algorithms developed to predict the effect of missense changes on protein structure and function output the following: SIFT: "Tolerated"; PolyPhen-2: "Benign"; Align-GVGD: "Class C0". The valine amino acid residue is found in multiple mammalian species, which suggests that this missense change does not adversely affect protein function. ClinVar contains an entry for this variant (Variation ID: 1461383). This variant has not been reported in the literature in individuals affected with NGLY1-related conditions. This variant is not present in population databases (gnomAD no frequency). This sequence change replaces isoleucine, which is neutral and non-polar, with valine, which is neutral and non-polar, at codon 437 of the NGLY1 protein (p.Ile437Val).

NM_018297.4(NGLY1):c.1309A>G (p.Ile437Val)

Gene: NGLY1 (N-glycanase 1; minus strand). Cytogenetic location: 3p24.2.
Variant type: single nucleotide variant.
Coding change: c.1309A>G on transcript NM_018297.4 (MANE Select); coding-DNA position 1309, A replaced by G.
Protein change: p.Ile437Val; replaces isoleucine 437 with valine.
Molecular consequence: missense variant.
Genome position (GRCh38, 1-based): chr3:25,732,435, T>C on the plus strand (A>G on the coding strand, the complement: NGLY1 is on the minus strand). VCF-style: chr3-25732435-T-C. GRCh37 (hg19) VCF-style: chr3-25773926-T-C.
Other names: c.1255A>G, p.Ile419Val (NM_001145293.2); c.1183A>G, p.Ile395Val (NM_001145294.2); c.1309A>G, p.Ile437Val (NM_001145295.2); short protein forms I419V, I437V, I395V.
Identifiers: ClinVar variation 1461383 (VCV001461383.8), dbSNP rs2125466194, ClinGen allele CA351899125.